The following is an entry in ClinVar:

ClinVar aggregate classification (germline): Uncertain significance (1 of 4 stars; one submission).

Conditions:
CHD7-related disorder. Also called: CHD7-related condition.

Submission:

PreventionGenetics, part of Exact Sciences
Classification: Uncertain significance for CHD7-related condition. Last evaluated: 2025-03-25. Review status: criteria provided, single submitter. Criteria: ACMG Guidelines, 2015. Collection method: clinical testing. Allele origin: germline.
Comment: The CHD7 c.3871A>G variant is predicted to result in the amino acid substitution p.Lys1291Glu. This variant has been reported as de novo in an individual with Kallmann syndrome and coloboma (Marcos et al. 2014. PubMed ID: 25077900). This variant has not been reported in a large population database (gnomAD), indicating this variant is rare. An alternate nucleotide change affecting the same amino acid (c.3871A>C, p.Lys1291Gln) has been reported in an individual with CHARGE syndrome (Table S5, Butcher. 2017. PubMed ID: 28475860). Although we suspect that this variant may be pathogenic, at this time, the clinical significance of this variant is uncertain due to the absence of conclusive functional and genetic evidence.

NM_017780.4(CHD7):c.3871A>G (p.Lys1291Glu)

Gene: CHD7 (chromodomain helicase DNA binding protein 7; plus strand). Cytogenetic location: 8q12.2.
Variant type: single nucleotide variant.
Coding change: c.3871A>G on transcript NM_017780.4 (MANE Select); coding-DNA position 3871, A replaced by G.
Protein change: p.Lys1291Glu; replaces lysine 1291 with glutamic acid.
Molecular consequence: missense variant. On other transcripts: intron variant (1).
Genome position (GRCh38, 1-based): chr8:60,836,165, A>G. VCF-style: chr8-60836165-A-G. GRCh37 (hg19) VCF-style: chr8-61748724-A-G.
Other names: c.1717-26064A>G (NM_001316690.1); short protein forms K1291E.
Identifiers: ClinVar variation 5001791 (VCV005001791.1).